The following is an entry in ClinVar:

NM_003906.5(MCM3AP):c.133T>A (p.Leu45Ile)

Gene: MCM3AP (minichromosome maintenance complex component 3 associated protein; minus strand). Cytogenetic location: 21q22.3.
Variant type: single nucleotide variant.
Coding change: c.133T>A on transcript NM_003906.5 (MANE Select); coding-DNA position 133, T replaced by A.
Protein change: p.Leu45Ile; replaces leucine 45 with isoleucine.
Molecular consequence: missense variant.
Genome position (GRCh38, 1-based): chr21:46,285,154, A>T on the plus strand (T>A on the coding strand, the complement: MCM3AP is on the minus strand). VCF-style: chr21-46285154-A-T. GRCh37 (hg19) VCF-style: chr21-47705068-A-T.
Other names: short protein forms L45I.
Identifiers: ClinVar variation 2096273 (VCV002096273.4), dbSNP rs2517442941, ClinGen allele CA410538046.
Genomic context (GRCh38, chr21:46,285,154, plus strand): 5'-TTACTCCAGAAGACGCTGGAAAGCTGGATACCTGTGAAAATCCCGAGCTCTTCCCAGATA[A>T]GGTACTGTTTTGTCCAAAAAGAGAAGGTTGACCAAATCGAAATGGCGGCTTAGATGGAAG-3'
Protein context (NP_003897.2, residues 35-55): QPSLFGQNST[Leu45Ile]SGKSSGFSQV

ClinVar aggregate classification (germline): Uncertain significance (1 of 4 stars; one submission).

Submission:

Labcorp Genetics (formerly Invitae), Labcorp
Classification: Uncertain significance. Last evaluated: 2022-02-10. Review status: criteria provided, single submitter. Criteria: Invitae Variant Classification Sherloc (09022015). Collection method: clinical testing. Allele origin: germline.
Comment: Algorithms developed to predict the effect of missense changes on protein structure and function (SIFT, PolyPhen-2, Align-GVGD) all suggest that this variant is likely to be tolerated. In summary, the available evidence is currently insufficient to determine the role of this variant in disease. Therefore, it has been classified as a Variant of Uncertain Significance. This sequence change replaces leucine, which is neutral and non-polar, with isoleucine, which is neutral and non-polar, at codon 45 of the MCM3AP protein (p.Leu45Ile). This variant is not present in population databases (gnomAD no frequency). This variant has not been reported in the literature in individuals affected with MCM3AP-related conditions.